The following is an entry in ClinVar:

ClinVar aggregate classification (germline): Uncertain significance. Review status: criteria provided, multiple submitters, no conflicts (2 of 4 stars). 2 submissions from 2 submitters: Uncertain significance (2). Last evaluated 2026-01-28.

Conditions:
Hereditary cancer-predisposing syndrome. Also called: Neoplastic Syndromes, Hereditary; Tumor predisposition; Hereditary neoplastic syndrome; Hereditary Cancer Syndrome. Identifiers: Orphanet 140162, MedGen C0027672, MeSH D009386, MONDO:0015356.
Rhabdoid tumor predisposition syndrome 2 (RTPS2). Identifiers: Orphanet 231108, Orphanet 69077, MedGen C2750074, MONDO:0013224, OMIM 613325.

Submissions (2):

Labcorp Genetics (formerly Invitae), Labcorp
Classification: Uncertain significance for Rhabdoid tumor predisposition syndrome 2. Last evaluated: 2026-01-28. Review status: criteria provided, single submitter. Criteria: Invitae Variant Classification Sherloc (09022015). Collection method: clinical testing. Allele origin: germline.
Comment: This sequence change replaces glycine, which is neutral and non-polar, with alanine, which is neutral and non-polar, at codon 102 of the SMARCA4 protein (p.Gly102Ala). This variant is not present in population databases (gnomAD no frequency). This variant has not been reported in the literature in individuals affected with SMARCA4-related conditions. ClinVar contains an entry for this variant (Variation ID: 567691). An algorithm developed to predict the effect of missense changes on protein structure and function outputs the following: PolyPhen-2: "Probably Damaging". The alanine amino acid residue is found in multiple mammalian species, which suggests that this missense change does not adversely affect protein function. In summary, the available evidence is currently insufficient to determine the role of this variant in disease. Therefore, it has been classified as a Variant of Uncertain Significance.

Ambry Genetics
Classification: Uncertain significance for Hereditary cancer-predisposing syndrome. Last evaluated: 2022-09-16. Review status: criteria provided, single submitter. Criteria: Ambry Variant Classification Scheme 2023. Collection method: clinical testing. Allele origin: germline.
Comment: The p.G102A variant (also known as c.305G>C), located in coding exon 2 of the SMARCA4 gene, results from a G to C substitution at nucleotide position 305. The glycine at codon 102 is replaced by alanine, an amino acid with similar properties. This amino acid position is not well conserved in available vertebrate species, and alanine is the reference amino acid in other vertebrate species. In addition, this alteration is predicted to be tolerated by in silico analysis. Missense and in-frame variants in SMARCA4 are known to cause neurodevelopmental disorders; however, such associations with rhabdoid tumor predisposition syndrome including small cell carcinoma of the ovary-hypercalcemic type (SCCOHT) are exceedingly rare (Kosho T et al. Am J Med Genet C Semin Med Genet. 2014 Sep;166C(3):262-75; Jelinic P et al. Nat Genet. 2014 May;46(5):424-6). Based on the supporting evidence, the association of this alteration with Coffin-Siris syndrome is unknown; however, the association of this alteration with rhabdoid tumor predisposition syndrome is unlikely.

NM_003072.5(SMARCA4):c.305G>C (p.Gly102Ala)

Gene: SMARCA4 (SWI/SNF related BAF chromatin remodeling complex subunit ATPase 4; plus strand). Cytogenetic location: 19p13.2.
Variant type: single nucleotide variant.
Coding change: c.305G>C on transcript NM_003072.5 (MANE Select); coding-DNA position 305, G replaced by C.
Protein change: p.Gly102Ala; replaces glycine 102 with alanine.
Molecular consequence: missense variant. On other transcripts: non-coding transcript variant (1).
Genome position (GRCh38, 1-based): chr19:10,985,355, G>C. VCF-style: chr19-10985355-G-C. GRCh37 (hg19) VCF-style: chr19-11096031-G-C.
Other names: c.305G>C, p.Gly102Ala (NM_001128844.3, NM_001128845.2, NM_001128846.2 and 5 more transcripts); short protein forms G102A.
Identifiers: ClinVar variation 567691 (VCV000567691.11), dbSNP rs746602808, ClinGen allele CA404055257.